The following is an entry in ClinVar:

ClinVar aggregate classification (germline): Uncertain significance (1 of 4 stars; one submission).

Submission:

Labcorp Genetics (formerly Invitae), Labcorp
Classification: Uncertain significance. Last evaluated: 2022-09-19. Review status: criteria provided, single submitter. Criteria: Invitae Variant Classification Sherloc (09022015). Collection method: clinical testing. Allele origin: germline.
Comment: In summary, the available evidence is currently insufficient to determine the role of this variant in disease. Therefore, it has been classified as a Variant of Uncertain Significance. Experimental studies and prediction algorithms are not available or were not evaluated, and the functional significance of this variant is currently unknown. This variant has not been reported in the literature in individuals affected with ADGRA3-related conditions. This variant is not present in population databases (gnomAD no frequency). This sequence change creates a premature translational stop signal (p.Arg944Lysfs*4) in the ADGRA3 gene. While this is not anticipated to result in nonsense mediated decay, it is expected to disrupt the last 378 amino acid(s) of the ADGRA3 protein.

NM_145290.4(ADGRA3):c.2830dup (p.Arg944fs)

Gene: ADGRA3 (adhesion G protein-coupled receptor A3; minus strand). Cytogenetic location: 4p15.2.
Variant type: Duplication.
Coding change: c.2830dup on transcript NM_145290.4 (MANE Select); coding-DNA position 2830, one base duplicated (A; older notation c.2830dupA).
Protein change: p.Arg944fs; shifts the reading frame from arginine 944.
Molecular consequence: frameshift variant.
Genome position (GRCh38, 1-based): chr4:22,388,841, T duplicated on the plus strand (A on the coding strand, the reverse complement: ADGRA3 is on the minus strand); the first of 4 consecutive T bases (chr4:22,388,841-22,388,844); duplicating any one gives the same sequence. VCF-style (leftmost placement, unchanged base first): chr4-22388840-C-CT. GRCh37 (hg19) VCF-style: chr4-22390463-C-CT.
Other names: short protein forms R944fs.
Identifiers: ClinVar variation 2031339 (VCV002031339.4), dbSNP rs2474688187, ClinGen allele CA2580070919.
Genomic context (GRCh38, chr4:22,388,840, plus strand): 5'-GCTGCCAATCTCTGTTGCTCCTCCGTGGGCTCCTTAAGCTCATATTTGCGCTCAGGGTGT[C>CT]TTTTCAACTGAATAAATATGCTCAGAAAGTACATGCAGTTTACAAAAGTGATGAAGCTGG-3'